The following is an entry in ClinVar:

NM_152618.3(BBS12):c.1345G>T (p.Ala449Ser)

Gene: BBS12 (Bardet-Biedl syndrome 12; plus strand). Cytogenetic location: 4q27.
Variant type: single nucleotide variant.
Coding change: c.1345G>T on transcript NM_152618.3 (MANE Select); coding-DNA position 1345, G replaced by T.
Protein change: p.Ala449Ser; replaces alanine 449 with serine.
Molecular consequence: missense variant.
Genome position (GRCh38, 1-based): chr4:122,743,237, G>T. VCF-style: chr4-122743237-G-T. GRCh37 (hg19) VCF-style: chr4-123664392-G-T.
Other names: c.1345G>T, p.Ala449Ser (NM_001178007.2); short protein forms A449S.
Identifiers: ClinVar variation 3053189 (VCV003053189.3), dbSNP rs767887679, ClinGen allele CA3069426.

ClinVar aggregate classification (germline): Uncertain significance. Review status: criteria provided, single submitter (1 of 4 stars). 2 submissions from 2 submitters: Uncertain significance (1). 1 of the submissions does not count toward it. Last evaluated 2024-02-26.

Conditions:
BBS12-related disorder. Also called: BBS12-related condition.
Bardet-Biedl syndrome 12 (BBS12). Identifiers: Orphanet 110, MedGen C1859570, MONDO:0014440, OMIM 615989.

Allele frequency attached by ClinVar (database versions not stated): gnomAD exomes below 0.00001; gnomAD 0.00001; ExAC 0.00002; TOPMed 0.00002.
gnomAD v4.1: 14 of 1,614,114 alleles (0.00087%); highest among the groups gnomAD compares: East Asian, 0.0045%; no homozygotes.

Submissions (2):

Fulgent Genetics
Classification: Uncertain significance for Bardet-Biedl syndrome 12. Last evaluated: 2024-02-26. Review status: criteria provided, single submitter. Criteria: ACMG Guidelines, 2015. Collection method: clinical testing. Allele origin: germline.

PreventionGenetics, part of Exact Sciences
Classification: Uncertain significance for BBS12-related condition. Last evaluated: 2024-02-16. Review status: no assertion criteria provided. Collection method: clinical testing. Allele origin: germline. Not counted in ClinVar's aggregate classification.
Comment: The BBS12 c.1345G>T variant is predicted to result in the amino acid substitution p.Ala449Ser. To our knowledge, this variant has not been reported in the literature. This variant is reported in 0.025% of alleles in individuals of East Asian descent in gnomAD. At this time, the clinical significance of this variant is uncertain due to the absence of conclusive functional and genetic evidence.